The following is an entry in ClinVar:

ClinVar aggregate classification (germline): Uncertain significance (1 of 4 stars; one submission).

Conditions:
Perlman syndrome (PRLMNS). Identifiers: Orphanet 2849, MedGen C0796113, MONDO:0009965, OMIM 267000.

gnomAD v4.1: 7 of 1,614,014 alleles (0.00043%); highest among the groups gnomAD compares: Non-Finnish European, 0.00059%; no homozygotes.

Submission:

Labcorp Genetics (formerly Invitae), Labcorp
Classification: Uncertain significance for Perlman syndrome. Last evaluated: 2019-07-30. Review status: criteria provided, single submitter. Criteria: Invitae Variant Classification Sherloc (09022015). Collection method: clinical testing. Allele origin: germline.
Comment: In summary, the available evidence is currently insufficient to determine the role of this variant in disease. Therefore, it has been classified as a Variant of Uncertain Significance. Algorithms developed to predict the effect of missense changes on protein structure and function are either unavailable or do not agree on the potential impact of this missense change (SIFT: "Deleterious"; PolyPhen-2: "Probably Damaging"; Align-GVGD: "Class C0"). This variant has not been reported in the literature in individuals with DIS3L2-related conditions. This variant is not present in population databases (ExAC no frequency). This sequence change replaces valine with alanine at codon 406 of the DIS3L2 protein (p.Val406Ala). The valine residue is moderately conserved and there is a small physicochemical difference between valine and alanine.

NM_152383.5(DIS3L2):c.1217T>C (p.Val406Ala)

Gene: DIS3L2 (DIS3 like 3'-5' exoribonuclease 2; plus strand). Cytogenetic location: 2q37.1.
Variant type: single nucleotide variant.
Coding change: c.1217T>C on transcript NM_152383.5 (MANE Select); coding-DNA position 1217, T replaced by C.
Protein change: p.Val406Ala; replaces valine 406 with alanine.
Molecular consequence: missense variant. On other transcripts: non-coding transcript variant (2).
Genome position (GRCh38, 1-based): chr2:232,238,545, T>C. VCF-style: chr2-232238545-T-C. GRCh37 (hg19) VCF-style: chr2-233103255-T-C.
Other names: c.1217T>C, p.Val406Ala (NM_001257281.2); short protein forms V406A.
Identifiers: ClinVar variation 958555 (VCV000958555.9), dbSNP rs1692996534, ClinGen allele CA351154578.
Genomic context (GRCh38, chr2:232,238,545, plus strand): 5'-GCTGTGGCCTTCCACGCCAGCCTGATAGTCCTTCTCGTGCATTTACAGGCAACTTCAAAG[T>C]GGGAGTTCACATTGCTGACGTGAGTTACTTTGTTCCGGAGGGATCTGATCTGGATAAAGT-3'
Protein context (NP_689596.4, residues 396-416): CKPLADGNFK[Val406Ala]GVHIADVSYF